The following is an entry in ClinVar:

ClinVar aggregate classification (germline): Uncertain significance (1 of 4 stars; one submission).

Conditions:
Hereditary hyperferritinemia with congenital cataracts. Also called: Hereditary hyperferritinemia cataract syndrome; Bonneau-Beaumont syndrome; HYPERFERRITINEMIA WITH OR WITHOUT CATARACT. Identifiers: Orphanet 163, MedGen C1833213, MONDO:0010952, OMIM 600886.
Neuroferritinopathy (NBIA3). Also called: NEURODEGENERATION WITH BRAIN IRON ACCUMULATION 3; BASAL GANGLIA DISEASE, ADULT-ONSET. Identifiers: Orphanet 157846, MedGen C1853578, MONDO:0011638, OMIM 606159.

Submission:

Labcorp Genetics (formerly Invitae), Labcorp
Classification: Uncertain significance for Neuroferritinopathy; Hereditary hyperferritinemia with congenital cataracts. Last evaluated: 2022-10-06. Review status: criteria provided, single submitter. Criteria: Invitae Variant Classification Sherloc (09022015). Collection method: clinical testing. Allele origin: germline.
Comment: In summary, the available evidence is currently insufficient to determine the role of this variant in disease. Therefore, it has been classified as a Variant of Uncertain Significance. Algorithms developed to predict the effect of missense changes on protein structure and function are either unavailable or do not agree on the potential impact of this missense change (SIFT: "Deleterious"; PolyPhen-2: "Probably Damaging"; Align-GVGD: "Class C15"). This variant has not been reported in the literature in individuals affected with FTL-related conditions. This variant is not present in population databases (gnomAD no frequency). This sequence change replaces glycine, which is neutral and non-polar, with cysteine, which is neutral and slightly polar, at codon 91 of the FTL protein (p.Gly91Cys).

NM_000146.4(FTL):c.271G>T (p.Gly91Cys)

Gene: FTL (ferritin light chain; plus strand). Cytogenetic location: 19q13.33.
Variant type: single nucleotide variant.
Coding change: c.271G>T on transcript NM_000146.4 (MANE Select); coding-DNA position 271, G replaced by T.
Protein change: p.Gly91Cys; replaces glycine 91 with cysteine.
Molecular consequence: missense variant.
Genome position (GRCh38, 1-based): chr19:48,966,302, G>T. VCF-style: chr19-48966302-G-T. GRCh37 (hg19) VCF-style: chr19-49469559-G-T.
Other names: short protein forms G91C.
Identifiers: ClinVar variation 1900989 (VCV001900989.5), dbSNP rs1288770255, ClinGen allele CA406756682.